The following is an entry in ClinVar:

NM_001365951.3(KIF1B):c.1066T>C (p.Cys356Arg)

Gene: KIF1B (kinesin family member 1B; plus strand). Cytogenetic location: 1p36.22.
Variant type: single nucleotide variant.
Coding change: c.1066T>C on transcript NM_001365951.3 (MANE Select); coding-DNA position 1066, T replaced by C.
Protein change: p.Cys356Arg; replaces cysteine 356 with arginine.
Molecular consequence: missense variant.
Genome position (GRCh38, 1-based): chr1:10,278,014, T>C. VCF-style: chr1-10278014-T-C. GRCh37 (hg19) VCF-style: chr1-10338072-T-C.
Other names: c.1066T>C, p.Cys356Arg (NM_001365952.1); c.1048T>C, p.Cys350Arg (NM_001365953.1, NM_015074.3, NM_183416.4); short protein forms C350R, C356R.
Identifiers: ClinVar variation 4543629 (VCV004543629.1).
Genomic context (GRCh38, chr1:10,278,014, plus strand): 5'-ATGACAAGAACAAATTTTCTTTTTGGATCTAGATATGCAGATCGTGCAAAACAAATTAAA[T>C]GCAATGCTGTTATCAATGAGGACCCCAATGCCAAACTGGTTCGTGAATTAAAGGAGGAGG-3'
Protein context (NP_001352880.1, residues 346-366): RYADRAKQIK[Cys356Arg]NAVINEDPNA

ClinVar aggregate classification (germline): Uncertain significance (1 of 4 stars; one submission).

Submission:

Ambry Genetics
Classification: Uncertain significance. Last evaluated: 2025-09-27. Review status: criteria provided, single submitter. Criteria: Ambry Variant Classification Scheme 2023. Collection method: clinical testing. Allele origin: germline.
Comment: The p.C350R variant (also known as c.1048T>C), located in coding exon 11 of the KIF1B gene, results from a T to C substitution at nucleotide position 1048. The cysteine at codon 350 is replaced by arginine, an amino acid with highly dissimilar properties. This amino acid position is conserved. In addition, this alteration is predicted to be deleterious by in silico analysis. Based on the available evidence, the clinical significance of this variant remains unclear.